The following is an entry in ClinVar:

ClinVar aggregate classification (germline): Uncertain significance. Review status: criteria provided, multiple submitters, no conflicts (2 of 4 stars). 2 submissions from 2 submitters: Uncertain significance (2). Last evaluated 2023-09-25.

Conditions:
DICER1-related tumor predisposition. Also called: DICER1-related pleuropulmonary blastoma cancer predisposition syndrome; DICER1 syndrome. Identifiers: Orphanet 284343, MedGen C3839822, MONDO:0100216.
Hereditary cancer-predisposing syndrome. Also called: Hereditary neoplastic syndrome; Hereditary Cancer Syndrome; Tumor predisposition; Neoplastic Syndromes, Hereditary. Identifiers: Orphanet 140162, MedGen C0027672, MeSH D009386, MONDO:0015356.

Allele frequency attached by ClinVar (database versions not stated): gnomAD exomes below 0.00001; TOPMed below 0.00001.
gnomAD v4.1: 1 of 1,614,132 alleles (0.000062%); highest among the groups gnomAD compares: African/African-American, 0.0013%; no homozygotes.

Submissions (2):

Ambry Genetics
Classification: Uncertain significance for Hereditary cancer-predisposing syndrome. Last evaluated: 2023-09-25. Review status: criteria provided, single submitter. Criteria: Ambry Variant Classification Scheme 2023. Collection method: clinical testing. Allele origin: germline.
Comment: The p.N487S variant (also known as c.1460A>G), located in coding exon 8 of the DICER1 gene, results from an A to G substitution at nucleotide position 1460. The asparagine at codon 487 is replaced by serine, an amino acid with highly similar properties. This amino acid position is highly conserved in available vertebrate species. In addition, this alteration is predicted to be tolerated by in silico analysis. Since supporting evidence is limited at this time, the clinical significance of this alteration remains unclear.

Labcorp Genetics (formerly Invitae), Labcorp
Classification: Uncertain significance for DICER1-related tumor predisposition. Last evaluated: 2023-06-04. Review status: criteria provided, single submitter. Criteria: Invitae Variant Classification Sherloc (09022015). Collection method: clinical testing. Allele origin: germline.
Comment: In summary, the available evidence is currently insufficient to determine the role of this variant in disease. Therefore, it has been classified as a Variant of Uncertain Significance. Advanced modeling of protein sequence and biophysical properties (such as structural, functional, and spatial information, amino acid conservation, physicochemical variation, residue mobility, and thermodynamic stability) performed at Invitae indicates that this missense variant is not expected to disrupt DICER1 protein function. ClinVar contains an entry for this variant (Variation ID: 968406). This variant has not been reported in the literature in individuals affected with DICER1-related conditions. This variant is not present in population databases (gnomAD no frequency). This sequence change replaces asparagine, which is neutral and polar, with serine, which is neutral and polar, at codon 487 of the DICER1 protein (p.Asn487Ser).

NM_177438.3(DICER1):c.1460A>G (p.Asn487Ser)

Gene: DICER1 (dicer 1, ribonuclease III; minus strand). Cytogenetic location: 14q32.13.
Variant type: single nucleotide variant.
Coding change: c.1460A>G on transcript NM_177438.3 (MANE Select); coding-DNA position 1460, A replaced by G.
Protein change: p.Asn487Ser; replaces asparagine 487 with serine.
Molecular consequence: missense variant.
Genome position (GRCh38, 1-based): chr14:95,117,671, T>C on the plus strand (A>G on the coding strand, the complement: DICER1 is on the minus strand). VCF-style: chr14-95117671-T-C. GRCh37 (hg19) VCF-style: chr14-95584008-T-C.
Other names: c.1460A>G, p.Asn487Ser (NM_001195573.1, NM_001271282.3, NM_001291628.2 and 1 more transcripts); short protein forms N487S.
Identifiers: ClinVar variation 968406 (VCV000968406.11), dbSNP rs1892599226, ClinGen allele CA390885521.
Genomic context (GRCh38, chr14:95,117,671, plus strand): 5'-ATTTAAGTTACCTCTTCCTGTTTTCTGAATTCTGCTTCCATCTGTTTGTTGCGAGGCTGA[T>C]TCTTCCCAATGCCATGTCCAGTTATGAAATTGCTACTGATATAAGCCAGCTCTGGATCTT-3'
Protein context (NP_803187.1, residues 477-497): NFITGHGIGK[Asn487Ser]QPRNKQMEAE